The following is an entry in ClinVar:

NC_000023.11:g.(?_32380500)_(32699303_?)del

Gene: DMD (dystrophin; minus strand). Cytogenetic location: Xp21.1.
Variant type: Deletion.
Identifiers: ClinVar variation 832662 (VCV000832662.1).

ClinVar aggregate classification (germline): Pathogenic (1 of 4 stars; one submission).

Conditions:
Duchenne muscular dystrophy (DMD). Also called: Duchenne Muscular Dystrophy (DMD); MUSCULAR DYSTROPHY, PSEUDOHYPERTROPHIC PROGRESSIVE, DUCHENNE TYPE. Identifiers: Orphanet 98896, MedGen C0013264, MONDO:0010679, OMIM 310200.

Submission:

Labcorp Genetics (formerly Invitae), Labcorp
Classification: Pathogenic for Duchenne muscular dystrophy. Last evaluated: 2019-01-25. Review status: criteria provided, single submitter. Criteria: Invitae Variant Classification Sherloc (09022015). Collection method: clinical testing. Allele origin: germline.
Comment: This variant is an out-of-frame deletion of the genomic region encompassing exons 8-34 of the DMD gene. This is expected to create a premature translational stop signal and result in an absent or disrupted protein product. A similar deletion of exons 8-34 has been reported in an individual affected with Becker or Duchenne muscular dystrophy (PMID: 16030524). Loss-of-function variants in DMD are known to be pathogenic (PMID: 16770791, 25007885). For these reasons, this variant has been classified as Pathogenic.

Literature cited by the submitters: PubMed 16030524.